The following is an entry in ClinVar:

ClinVar aggregate classification (germline): Benign. Review status: criteria provided, multiple submitters, no conflicts (2 of 4 stars). 2 submissions from 2 submitters: Benign (2). Last evaluated 2018-06-19.

Allele frequency attached by ClinVar (database versions not stated): gnomAD 0.07576 and 0.08142; 1000 Genomes Project 0.08307; TOPMed 0.08680; 1000 Genomes Project 30x 0.08885.

Submissions (2):

GeneDx
Classification: Benign. Last evaluated: 2018-06-19. Review status: criteria provided, single submitter. Criteria: GeneDx Variant Classification (06012015). Collection method: clinical testing. Allele origin: germline. Affected: yes.
Comment: This variant is considered likely benign or benign based on one or more of the following criteria: it is a conservative change, it occurs at a poorly conserved position in the protein, it is predicted to be benign by multiple in silico algorithms, and/or has population frequency not consistent with disease.

Breakthrough Genomics
Classification: Benign. Review status: criteria provided, single submitter. Criteria: ACMG Guidelines, 2015. Collection method: not provided. Allele origin: germline. Inheritance: Autosomal recessive inheritance. Affected: yes.

NM_001848.3(COL6A1):c.1119+189T>C

Gene: COL6A1 (collagen type VI alpha 1 chain; plus strand). Cytogenetic location: 21q22.3.
Variant type: single nucleotide variant.
Coding change: c.1119+189T>C on transcript NM_001848.3 (MANE Select); 189 bases into the intron after coding-DNA position 1119, T replaced by C.
Molecular consequence: intron variant.
Genome position (GRCh38, 1-based): chr21:45,991,230, T>C. VCF-style: chr21-45991230-T-C. GRCh37 (hg19) VCF-style: chr21-47411144-T-C.
Identifiers: ClinVar variation 679182 (VCV000679182.2), dbSNP rs10154031, ClinGen allele CA321965499.